The following is an entry in ClinVar:

NM_001318852.2(MAPK8IP3):c.2724C>T (p.Ser908=)

Gene: MAPK8IP3 (mitogen-activated protein kinase 8 interacting protein 3; plus strand). Cytogenetic location: 16p13.3.
Variant type: single nucleotide variant.
Coding change: c.2724C>T on transcript NM_001318852.2 (MANE Select); coding-DNA position 2724, C replaced by T.
Protein change: p.Ser908=; no amino-acid change (serine 908 retained).
Molecular consequence: synonymous variant.
Genome position (GRCh38, 1-based): chr16:1,766,314, C>T. VCF-style: chr16-1766314-C-T. GRCh37 (hg19) VCF-style: chr16-1816315-C-T.
Other names: c.2703C>T, p.Ser901= (NM_001040439.2); c.2721C>T, p.Ser907= (NM_015133.5).
Identifiers: ClinVar variation 1675601 (VCV001675601.33), dbSNP rs762921671, ClinGen allele CA7817385.
Genomic context (GRCh38, chr16:1,766,314, plus strand): 5'-CCCGTCCCAGTCCACAGAGGAGGCCACAGAGGCCACGGAGGTGCCAGACCCTGGGCCCAG[C>T]GAGCCAGAGACAGCCACATTGCGGCCCGGGCCTCTCACAGAGCACGTCTTCACTGACCCA-3'
Protein context (NP_001305781.1, residues 898-918): EATEVPDPGP[Ser908=]EPETATLRPG

ClinVar aggregate classification (germline): Likely benign (1 of 4 stars; one submission).

Allele frequency attached by ClinVar (database versions not stated): gnomAD 0.00001; ExAC 0.00002.
gnomAD v4.1: 19 of 1,612,538 alleles (0.0012%); highest among the groups gnomAD compares: Middle Eastern, 0.016%; no homozygotes.

Submission:

CeGaT Center for Human Genetics Tuebingen
Classification: Likely benign. Last evaluated: 2022-03-01. Review status: criteria provided, single submitter. Criteria: CeGaT Center For Human Genetics Tuebingen Variant Classification Criteria Version 2. Collection method: clinical testing. Allele origin: germline. Affected: yes. Observed: 1 variant allele.
Comment: MAPK8IP3: BP4, BP7